The following is an entry in ClinVar:

NM_001035.3(RYR2):c.11237C>A (p.Ala3746Asp)

Gene: RYR2 (ryanodine receptor 2; plus strand). Cytogenetic location: 1q43.
Variant type: single nucleotide variant.
Coding change: c.11237C>A on transcript NM_001035.3 (MANE Select); coding-DNA position 11237, C replaced by A.
Protein change: p.Ala3746Asp; replaces alanine 3746 with aspartic acid.
Molecular consequence: missense variant.
Genome position (GRCh38, 1-based): chr1:237,756,379, C>A. VCF-style: chr1-237756379-C-A. GRCh37 (hg19) VCF-style: chr1-237919679-C-A.
Other names: c.11237C>A, p.Ala3746Asp (LRG_402t1); short protein forms A3746D.
Identifiers: ClinVar variation 643913 (VCV000643913.10), dbSNP rs1573821711, ClinGen allele CA345425943.

ClinVar aggregate classification (germline): Uncertain significance (1 of 4 stars; one submission).

Conditions:
Catecholaminergic polymorphic ventricular tachycardia 1. Also called: RYR2-Related Catecholaminergic Polymorphic Ventricular Tachycardia; VENTRICULAR TACHYCARDIA, STRESS-INDUCED POLYMORPHIC 1; VENTRICULAR TACHYCARDIA, CATECHOLAMINERGIC POLYMORPHIC, 1, WITH OR WITHOUT ATRIAL DYSFUNCTION AND/OR DILATED CARDIOMYOPATHY. Identifiers: Orphanet 3286, MedGen C1631597, MONDO:0011484, OMIM 604772.

Submission:

Labcorp Genetics (formerly Invitae), Labcorp
Classification: Uncertain significance for Catecholaminergic polymorphic ventricular tachycardia 1. Last evaluated: 2018-08-04. Review status: criteria provided, single submitter. Criteria: Invitae Variant Classification Sherloc (09022015). Collection method: clinical testing. Allele origin: germline.
Comment: This sequence change replaces alanine with aspartic acid at codon 3746 of the RYR2 protein (p.Ala3746Asp). The alanine residue is highly conserved and there is a moderate physicochemical difference between alanine and aspartic acid. This variant is not present in population databases (ExAC no frequency). This variant has not been reported in the literature in individuals with RYR2-related disease. Algorithms developed to predict the effect of missense changes on protein structure and function are either unavailable or do not agree on the potential impact of this missense change (SIFT: "Deleterious"; PolyPhen-2: "Probably Damaging"; Align-GVGD: "Class C0"). In summary, the available evidence is currently insufficient to determine the role of this variant in disease. Therefore, it has been classified as a Variant of Uncertain Significance.